The following is an entry in ClinVar:

ClinVar aggregate classification (germline): Likely pathogenic (1 of 4 stars; one submission).

Submission:

Labcorp Genetics (formerly Invitae), Labcorp
Classification: Likely pathogenic. Last evaluated: 2023-04-09. Review status: criteria provided, single submitter. Criteria: Invitae Variant Classification Sherloc (09022015). Collection method: clinical testing. Allele origin: germline.
Comment: In summary, the currently available evidence indicates that the variant is pathogenic, but additional data are needed to prove that conclusively. Therefore, this variant has been classified as Likely Pathogenic. Algorithms developed to predict the effect of sequence changes on RNA splicing suggest that this variant may disrupt the consensus splice site. This variant has not been reported in the literature in individuals affected with VPS13A-related conditions. This variant is not present in population databases (gnomAD no frequency). This sequence change affects an acceptor splice site in intron 58 of the VPS13A gene. It is expected to disrupt RNA splicing. Variants that disrupt the donor or acceptor splice site typically lead to a loss of protein function (PMID: 16199547), and loss-of-function variants in VPS13A are known to be pathogenic (PMID: 12404112, 21598378).

Literature cited by the submitters: PubMed 16199547; PubMed 12404112; PubMed 21598378.

NM_033305.3(VPS13A):c.8106-2A>G

Gene: VPS13A (vacuolar protein sorting 13 homolog A; plus strand). Cytogenetic location: 9q21.2.
Variant type: single nucleotide variant.
Coding change: c.8106-2A>G on transcript NM_033305.3 (MANE Select); the canonical splice acceptor site of the intron before coding-DNA position 8106, A replaced by G.
Molecular consequence: splice acceptor variant.
Genome position (GRCh38, 1-based): chr9:77,360,534, A>G. VCF-style: chr9-77360534-A-G. GRCh37 (hg19) VCF-style: chr9-79975450-A-G.
Other names: c.7989-2A>G (NM_001018037.2); c.8106-2A>G (NM_015186.4, NM_001018038.3).
Identifiers: ClinVar variation 2854149 (VCV002854149.3), dbSNP rs2131563546, ClinGen allele CA373860601.